The following is an entry in ClinVar:

ClinVar aggregate classification (germline): Uncertain significance (1 of 4 stars; one submission).

Submission:

Labcorp Genetics (formerly Invitae), Labcorp
Classification: Uncertain significance. Last evaluated: 2024-01-17. Review status: criteria provided, single submitter. Criteria: Invitae Variant Classification Sherloc (09022015). Collection method: clinical testing. Allele origin: germline.
Comment: This sequence change creates a premature translational stop signal (p.Val139Serfs*15) in the COQ7 gene. It is expected to result in an absent or disrupted protein product. However, the current clinical and genetic evidence is not sufficient to establish whether loss-of-function variants in COQ7 cause disease. This variant is present in population databases (no rsID available, gnomAD 0.0009%). This variant has not been reported in the literature in individuals affected with COQ7-related conditions. ClinVar contains an entry for this variant (Variation ID: 1434759). In summary, the available evidence is currently insufficient to determine the role of this variant in disease. Therefore, it has been classified as a Variant of Uncertain Significance.

NM_016138.5(COQ7):c.414_439del (p.Val139fs)

Gene: COQ7 (coenzyme Q7, hydroxylase; plus strand). Cytogenetic location: 16p12.3.
Variant type: Deletion.
Coding change: c.414_439del on transcript NM_016138.5 (MANE Select); coding-DNA positions 414 to 439, 26 bases deleted (CGTGGCGGTGGAAGAGAGCATAGCAC).
Protein change: p.Val139fs; shifts the reading frame from valine 139.
Molecular consequence: frameshift variant. On other transcripts: non-coding transcript variant (3).
Genome position (GRCh38, 1-based): chr16:19,075,767-19,075,792, CGTGGCGGTGGAAGAGAGCATAGCAC deleted; deleting any 26 consecutive bases within chr16:19,075,763-19,075,792 gives the same sequence; the c. name uses the placement nearest the transcript's 3' end. VCF-style (leftmost placement, unchanged base first): chr16-19075762-TGCACCGTGGCGGTGGAAGAGAGCATA-T. GRCh37 (hg19) VCF-style: chr16-19087084-TGCACCGTGGCGGTGGAAGAGAGCATA-T.
Other names: c.300_325del, p.Val101fs (NM_001190983.2, NM_001370492.1, NM_001370493.1 and 2 more transcripts); c.372_397del, p.Val125fs (NM_001370489.1, NM_001370491.1); c.414_439del, p.Val139fs (NM_001370490.1); short protein forms V101fs, V139fs, V125fs.
Identifiers: ClinVar variation 1434759 (VCV001434759.4), dbSNP rs1444557153, ClinGen allele CA621223256.